The following is an entry in ClinVar:

NM_004380.3(CREBBP):c.7204A>G (p.Asn2402Asp)

Gene: CREBBP (CREB binding protein; minus strand). Cytogenetic location: 16p13.3.
Variant type: single nucleotide variant.
Coding change: c.7204A>G on transcript NM_004380.3 (MANE Select); coding-DNA position 7204, A replaced by G.
Protein change: p.Asn2402Asp; replaces asparagine 2402 with aspartic acid.
Molecular consequence: missense variant.
Genome position (GRCh38, 1-based): chr16:3,727,843, T>C on the plus strand (A>G on the coding strand, the complement: CREBBP is on the minus strand). VCF-style: chr16-3727843-T-C. GRCh37 (hg19) VCF-style: chr16-3777844-T-C.
Other names: c.7090A>G, p.Asn2364Asp (NM_001079846.1); short protein forms N2364D, N2402D.
Identifiers: ClinVar variation 1704088 (VCV001704088.3), dbSNP rs2151298608, ClinGen allele CA394550315.

ClinVar aggregate classification (germline): Uncertain significance (1 of 4 stars; one submission).

Submission:

GeneDx
Classification: Uncertain significance. Last evaluated: 2024-05-23. Review status: criteria provided, single submitter. Criteria: GeneDx Variant Classification Process June 2021. Collection method: clinical testing. Allele origin: germline. Affected: yes.
Comment: Not observed at significant frequency in large population cohorts (gnomAD); In silico analysis indicates that this missense variant does not alter protein structure/function; Has not been previously published as pathogenic or benign to our knowledge